The following continues an entry in ClinVar:

NM_004985.5(KRAS):c.34G>T (p.Gly12Cys)

Gene: KRAS. ClinVar aggregate classification (germline): Likely pathogenic. Likely pathogenic (2). ClinVar aggregate classification (somatic clinical impact): Tier I - Strong. ClinVar aggregate classification (oncogenicity): Oncogenic.

Submissions 10 to 14 of 14:

OMIM
Classification: Pathogenic for LUNG CANCER, SOMATIC. Last evaluated: 2001-09-15. Review status: no assertion criteria provided. Collection method: literature only. Allele origin: somatic. Not counted in ClinVar's aggregate classification.

Department of Pathology and Laboratory Medicine, Sinai Health System
Classification: Pathogenic. Review status: no assertion criteria provided. Collection method: clinical testing. Allele origin: unknown. Affected: yes. Observed: 36 variant alleles. Study: The Canadian Open Genetics Repository (COGR). Not counted in ClinVar's aggregate classification.

Key Laboratory of Carcinogenesis and Cancer Invasion, Central South University
Classification: Likely pathogenic for Lung cancer. Review status: no assertion criteria provided. Collection method: clinical testing. Allele origin: somatic. Affected: yes. Not counted in ClinVar's aggregate classification.

Laboratory of Translational Genomics,  National Cancer Institute
No classification provided. Condition: Endometrial carcinoma. Review status: no classification provided. Collection method: not provided. Allele origin: somatic. Not counted in ClinVar's aggregate classification.
Comment: Endometrial Cancer specimen

Salgia Laboratory, City of Hope
Classification: Pathogenic for Lung adenocarcinoma. Review status: no assertion criteria provided. Collection method: clinical testing. Allele origin: somatic. Inheritance: Somatic mutation. Affected: yes. Not counted in ClinVar's aggregate classification.

Literature cited by the submitters: PubMed 26037647 (cited by 3 submitters); PubMed 16051643 (cited by 3 submitters); PubMed 23455880 (cited by Center for Genomic Medicine, Rigshospitalet, Copenhagen University Hospital); PubMed 11668624 (cited by Center for Genomic Medicine, Rigshospitalet, Copenhagen University Hospital); PubMed 23965232 (cited by Institute for Genomic Medicine (IGM) Clinical Laboratory, Nationwide Children's Hospital); PubMed 31477716 (cited by Institute for Genomic Medicine (IGM) Clinical Laboratory, Nationwide Children's Hospital); PubMed 26257827 (cited by Institute for Genomic Medicine (IGM) Clinical Laboratory, Nationwide Children's Hospital); PubMed 29793804 (cited by Institute for Genomic Medicine (IGM) Clinical Laboratory, Nationwide Children's Hospital); PubMed 24332036 (cited by Institute for Genomic Medicine (IGM) Clinical Laboratory, Nationwide Children's Hospital); PubMed 34755412 (cited by Institute for Genomic Medicine (IGM) Clinical Laboratory, Nationwide Children's Hospital); PubMed 25705018 (cited by Institute for Genomic Medicine (IGM) Clinical Laboratory, Nationwide Children's Hospital); PubMed 32792368 (cited by Institute for Genomic Medicine (IGM) Clinical Laboratory, Nationwide Children's Hospital); PubMed 22810696 (cited by Institute for Genomic Medicine (IGM) Clinical Laboratory, Nationwide Children's Hospital); PubMed 27325016 (cited by Institute for Genomic Medicine (IGM) Clinical Laboratory, Nationwide Children's Hospital); PubMed 24705251 (cited by Institute for Genomic Medicine (IGM) Clinical Laboratory, Nationwide Children's Hospital); PubMed 28966033 (cited by Institute for Genomic Medicine (IGM) Clinical Laboratory, Nationwide Children's Hospital); PubMed 17704260 (cited by Labcorp Genetics (formerly Invitae), Labcorp); PubMed 26242988 (cited by Labcorp Genetics (formerly Invitae), Labcorp); PubMed 15696205 (cited by Laboratory for Molecular Medicine, Mass General Brigham Personalized Medicine); PubMed 6320174 (cited by OMIM); PubMed 11745231 (cited by OMIM and Salgia Laboratory, City of Hope); PubMed 31666701 (cited by OMIM); PubMed 35658005 (cited by OMIM).